The following is an entry in ClinVar:

ClinVar aggregate classification (germline): Benign/Likely benign. Review status: criteria provided, multiple submitters, no conflicts (2 of 4 stars). 3 submissions from 3 submitters: Benign (1); Likely benign (2). Last evaluated 2026-07-14.

Conditions:
Rhabdoid tumor predisposition syndrome 2 (RTPS2). Identifiers: Orphanet 231108, Orphanet 69077, MedGen C2750074, MONDO:0013224, OMIM 613325.
Hereditary cancer-predisposing syndrome. Also called: Neoplastic Syndromes, Hereditary; Tumor predisposition; Hereditary Cancer Syndrome; Hereditary neoplastic syndrome. Identifiers: Orphanet 140162, MedGen C0027672, MeSH D009386, MONDO:0015356.

Allele frequency attached by ClinVar (database versions not stated): gnomAD exomes 0.00001.
gnomAD v4.1: 3 of 1,612,862 alleles (0.00019%); highest among the groups gnomAD compares: South Asian, 0.0022%; no homozygotes.

Submissions (3):

Myriad Genetics, Inc.
Classification: Benign for Rhabdoid tumor predisposition syndrome 2. Last evaluated: 2026-07-14. Review status: criteria provided, single submitter. Criteria: Myriad Autosomal Dominant, Autosomal Recessive and X-Linked Classification Criteria (2023). Collection method: clinical testing. Allele origin: unknown.
Comment: This variant is considered benign. This variant is a silent/synonymous amino acid change and it is not expected to impact splicing.

Ambry Genetics
Classification: Likely benign for Hereditary cancer-predisposing syndrome. Last evaluated: 2025-06-29. Review status: criteria provided, single submitter. Criteria: Ambry Variant Classification Scheme 2023. Collection method: clinical testing. Allele origin: germline.

Labcorp Genetics (formerly Invitae), Labcorp
Classification: Likely benign for Rhabdoid tumor predisposition syndrome 2. Last evaluated: 2022-08-03. Review status: criteria provided, single submitter. Criteria: Invitae Variant Classification Sherloc (09022015). Collection method: clinical testing. Allele origin: germline.

NM_003072.5(SMARCA4):c.2991G>A (p.Lys997=)

Gene: SMARCA4 (SWI/SNF related BAF chromatin remodeling complex subunit ATPase 4; plus strand). Cytogenetic location: 19p13.2.
Variant type: single nucleotide variant.
Coding change: c.2991G>A on transcript NM_003072.5 (MANE Select); coding-DNA position 2991, G replaced by A.
Protein change: p.Lys997=; no amino-acid change (lysine 997 retained).
Molecular consequence: synonymous variant. On other transcripts: non-coding transcript variant (1).
Genome position (GRCh38, 1-based): chr19:11,024,348, G>A. VCF-style: chr19-11024348-G-A. GRCh37 (hg19) VCF-style: chr19-11135024-G-A.
Other names: c.2991G>A (NM_001128849.1); c.2991G>A, p.Lys997= (NM_001128844.3, NM_001128845.2, NM_001128846.2 and 6 more transcripts).
Identifiers: ClinVar variation 2009391 (VCV002009391.6), dbSNP rs2146472448, ClinGen allele CA505490678.